The following is an entry in ClinVar:

NM_032578.4(MYPN):c.421T>C (p.Cys141Arg)

Gene: MYPN (myopalladin; plus strand). Cytogenetic location: 10q21.3.
Variant type: single nucleotide variant.
Coding change: c.421T>C on transcript NM_032578.4 (MANE Select); coding-DNA position 421, T replaced by C.
Protein change: p.Cys141Arg; replaces cysteine 141 with arginine.
Molecular consequence: missense variant. On other transcripts: 5 prime UTR variant (1), non-coding transcript variant (1).
Genome position (GRCh38, 1-based): chr10:68,121,859, T>C. VCF-style: chr10-68121859-T-C. GRCh37 (hg19) VCF-style: chr10-69881616-T-C.
Other names: c.421T>C, p.Cys141Arg (NM_001256267.2); c.-702T>C (NM_001256268.2); c.421T>C (NM_032578.2); short protein forms C141R.
Identifiers: ClinVar variation 1018063 (VCV001018063.8), dbSNP rs2042248173, ClinGen allele CA377104311.

ClinVar aggregate classification (germline): Uncertain significance. Review status: criteria provided, multiple submitters, no conflicts (2 of 4 stars). 2 submissions from 2 submitters: Uncertain significance (2). Last evaluated 2025-03-31.

Conditions:
Cardiovascular phenotype. Identifiers: MedGen CN230736.
Dilated cardiomyopathy 1KK (CMD1KK). Identifiers: Orphanet 154, Orphanet 75249, MedGen C3714995, MONDO:0014100, OMIM 615248.

Allele frequency attached by ClinVar (database versions not stated): gnomAD exomes below 0.00001.
gnomAD v4.1: 1 of 1,614,190 alleles (0.000062%); highest among the groups gnomAD compares: Non-Finnish European, 0.000085%; no homozygotes.

Submissions (2):

Ambry Genetics
Classification: Uncertain significance for Cardiovascular phenotype. Last evaluated: 2025-03-31. Review status: criteria provided, single submitter. Criteria: Ambry Variant Classification Scheme 2023. Collection method: clinical testing. Allele origin: germline.
Comment: The p.C141R variant (also known as c.421T>C), located in coding exon 1 of the MYPN gene, results from a T to C substitution at nucleotide position 421. The cysteine at codon 141 is replaced by arginine, an amino acid with highly dissimilar properties. This amino acid position is conserved. In addition, this alteration is predicted to be tolerated by in silico analysis. Based on the available evidence, the clinical significance of this variant remains unclear.

Labcorp Genetics (formerly Invitae), Labcorp
Classification: Uncertain significance for Dilated cardiomyopathy 1KK. Last evaluated: 2020-04-15. Review status: criteria provided, single submitter. Criteria: Invitae Variant Classification Sherloc (09022015). Collection method: clinical testing. Allele origin: germline.
Comment: This sequence change replaces cysteine with arginine at codon 141 of the MYPN protein (p.Cys141Arg). The cysteine residue is weakly conserved and there is a large physicochemical difference between cysteine and arginine. This variant is not present in population databases (ExAC no frequency). This variant has not been reported in the literature in individuals with MYPN-related conditions. Algorithms developed to predict the effect of missense changes on protein structure and function (SIFT, PolyPhen-2, Align-GVGD) all suggest that this variant is likely to be tolerated, but these predictions have not been confirmed by published functional studies and their clinical significance is uncertain. In summary, the available evidence is currently insufficient to determine the role of this variant in disease. Therefore, it has been classified as a Variant of Uncertain Significance.